The following is an entry in ClinVar:

ClinVar aggregate classification (germline): Uncertain significance (1 of 4 stars; one submission).

Conditions:
Familial thoracic aortic aneurysm and aortic dissection (TAAD). Also called: Thoracic aortic aneurysms and dissections. Identifiers: Orphanet 91387, MedGen C4707243, MONDO:0019625.
Hereditary cancer-predisposing syndrome. Also called: Hereditary Cancer Syndrome; Hereditary neoplastic syndrome; Neoplastic Syndromes, Hereditary; Tumor predisposition. Identifiers: Orphanet 140162, MedGen C0027672, MeSH D009386, MONDO:0015356.

Allele frequency attached by ClinVar (database versions not stated): gnomAD exomes below 0.00001.
gnomAD v4.1: 1 of 1,613,834 alleles (0.000062%); highest among the groups gnomAD compares: Non-Finnish European, 0.000085%; no homozygotes.

Submission:

Ambry Genetics
Classification: Uncertain significance for Hereditary cancer-predisposing syndrome; Familial thoracic aortic aneurysm and aortic dissection. Last evaluated: 2026-07-30. Review status: criteria provided, single submitter. Criteria: Ambry Variant Classification Scheme 2023. Collection method: clinical testing. Allele origin: germline.
Comment: The p.T9P variant (also known as c.25A>C), located in coding exon 1 of the SMAD4 gene, results from an A to C substitution at nucleotide position 25. The threonine at codon 9 is replaced by proline, an amino acid with highly similar properties. This amino acid position is well conserved in available vertebrate species. In addition, this alteration is predicted to be deleterious by in silico analysis. Based on the available evidence, the clinical significance of this variant remains unclear.

NM_005359.6(SMAD4):c.25A>C (p.Thr9Pro)

Gene: SMAD4 (SMAD family member 4; plus strand). Cytogenetic location: 18q21.2.
Variant type: single nucleotide variant.
Coding change: c.25A>C on transcript NM_005359.6 (MANE Select); coding-DNA position 25, A replaced by C.
Protein change: p.Thr9Pro; replaces threonine 9 with proline.
Molecular consequence: missense variant.
Genome position (GRCh38, 1-based): chr18:51,047,071, A>C. VCF-style: chr18-51047071-A-C. GRCh37 (hg19) VCF-style: chr18-48573441-A-C.
Other names: c.25A>C, p.Thr9Pro (NM_001407041.1, NM_001407042.1, NM_001407043.1); short protein forms T9P.
Identifiers: ClinVar variation 1793634 (VCV001793634.3), dbSNP rs2144400315, ClinGen allele CA402457265.